The following is an entry in ClinVar:

ClinVar aggregate classification (germline): Likely benign (1 of 4 stars; one submission).

gnomAD v4.1: 7 of 1,613,614 alleles (0.00043%); highest among the groups gnomAD compares: Non-Finnish European, 0.00059%; no homozygotes.

Submission:

CeGaT Center for Human Genetics Tuebingen
Classification: Likely benign. Last evaluated: 2024-08-01. Review status: criteria provided, single submitter. Criteria: CeGaT Center For Human Genetics Tuebingen Variant Classification Criteria Version 2. Collection method: clinical testing. Allele origin: germline. Affected: yes. Observed: 1 variant allele.
Comment: VPS13C: BP4, BP7

NM_020821.3(VPS13C):c.5406A>G (p.Pro1802=)

Gene: VPS13C (vacuolar protein sorting 13 homolog C; minus strand). Cytogenetic location: 15q22.2.
Variant type: single nucleotide variant.
Coding change: c.5406A>G on transcript NM_020821.3 (MANE Select); coding-DNA position 5406, A replaced by G.
Protein change: p.Pro1802=; no amino-acid change (proline 1802 retained).
Molecular consequence: synonymous variant.
Genome position (GRCh38, 1-based): chr15:61,941,810, T>C on the plus strand (A>G on the coding strand, the complement: VPS13C is on the minus strand). VCF-style: chr15-61941810-T-C. GRCh37 (hg19) VCF-style: chr15-62234009-T-C.
Other names: c.5406A>G, p.Pro1802= (NM_001018088.3); c.5277A>G, p.Pro1759= (NM_017684.5, NM_018080.4).
Identifiers: ClinVar variation 3341974 (VCV003341974.16).